The following is an entry in ClinVar:

ClinVar aggregate classification (germline): Benign. Review status: criteria provided, multiple submitters, no conflicts (2 of 4 stars). 2 submissions from 2 submitters: Benign (2). Last evaluated 2018-01-13.

Conditions:
Hyaline fibromatosis syndrome (HFS). Also called: Hyalinosis, Inherited Systemic; HYALINOSIS, SYSTEMIC. Identifiers: Orphanet 2028, Orphanet 498474, MedGen C5574677, MONDO:0009229, OMIM 228600.

Allele frequency attached by ClinVar (database versions not stated): 1000 Genomes Project 30x 0.97814; 1000 Genomes Project 0.97983; TOPMed 0.97988; gnomAD 0.98122 and 0.98261; gnomAD exomes 1.00000.
gnomAD v4.1: 149,659 of 152,288 alleles (98%); highest among the groups gnomAD compares: East Asian, 100%; 73,591 homozygotes.

Submissions (2):

Illumina Laboratory Services, Illumina
Classification: Benign for Hyaline fibromatosis syndrome. Last evaluated: 2018-01-13. Review status: criteria provided, single submitter. Criteria: ICSL Variant Classification Criteria 13 December 2019. Collection method: clinical testing. Allele origin: germline.
Comment: This variant was observed in the ICSL laboratory as part of a predisposition screen in an ostensibly healthy population. It had not been previously curated by ICSL or reported in the Human Gene Mutation Database (HGMD: prior to June 1st, 2018), and was therefore a candidate for classification through an automated scoring system. Utilizing variant allele frequency, disease prevalence and penetrance estimates, and inheritance mode, an automated score was calculated to assess if this variant is too frequent to cause the disease. Based on the score and internal cut-off values, a variant classified as benign is not then subjected to further curation. The score for this variant resulted in a classification of benign for this disease.

Breakthrough Genomics
Classification: Benign. Review status: criteria provided, single submitter. Criteria: ACMG Guidelines, 2015. Collection method: not provided. Allele origin: germline. Inheritance: Autosomal recessive inheritance. Affected: yes.

NM_058172.6(ANTXR2):c.*3695T>C

Gene: ANTXR2 (ANTXR cell adhesion molecule 2; minus strand). Cytogenetic location: 4q21.21.
Variant type: single nucleotide variant.
Coding change: c.*3695T>C on transcript NM_058172.6 (MANE Select); 3695 bases downstream of the stop codon, T replaced by C.
Molecular consequence: 3 prime UTR variant.
Genome position (GRCh38, 1-based): chr4:79,903,734, A>G on the plus strand (T>C on the coding strand, the complement: ANTXR2 is on the minus strand). VCF-style: chr4-79903734-A-G. GRCh37 (hg19) VCF-style: chr4-80824888-A-G.
Other names: c.*3695T>C (NM_001286780.2, NM_001286781.2).
Identifiers: ClinVar variation 905396 (VCV000905396.5), dbSNP rs4611863, ClinGen allele CA100488280.